The following is an entry in ClinVar:

ClinVar aggregate classification (germline): Uncertain risk allele (0 of 4 stars; one submission).

Conditions:
Short stature and advanced bone age, with or without early-onset osteoarthritis and/or osteochondritis dissecans (SSOAOD). Identifiers: Orphanet 251262, MedGen C3665488, MONDO:0100462, OMIM 165800.

Submission:

Department of Endocrinology and Genetics, Fuzhou Children’s Hospital of Fujian Medical University
Classification: Uncertain risk allele for Short stature and advanced bone age, with or without early-onset osteoarthritis and/or osteochondritis dissecans. Review status: no assertion criteria provided. Collection method: clinical testing. Allele origin: maternal. Inheritance: Autosomal dominant inheritance. Affected: yes. Observed: 1 heterozygote.
Comment: Physical examination revealed midface hypoplasia, flat nasal bridge, and brachydactyly. 0cm (-1.96SD).

Literature cited by the submitters: PubMed 33606014.

Single allele

Variant type: Deletion.
Identifiers: ClinVar variation 1691679 (VCV001691679.4).